The following is an entry in ClinVar:

ClinVar aggregate classification (germline): Pathogenic/Likely pathogenic. Review status: criteria provided, multiple submitters, no conflicts (2 of 4 stars). 2 submissions from 2 submitters: Pathogenic (1); Likely pathogenic (1). Last evaluated 2022-12-24.

Conditions:
TMC1-related disorder. Also called: TMC1-related condition; TMC1-related disorders.

Allele frequency attached by ClinVar (database versions not stated): gnomAD exomes below 0.00001; TOPMed below 0.00001.
gnomAD v4.1: 4 of 1,612,190 alleles (0.00025%); highest among the groups gnomAD compares: Non-Finnish European, 0.00034%; no homozygotes.

Submissions (2):

Labcorp Genetics (formerly Invitae), Labcorp
Classification: Pathogenic. Last evaluated: 2022-12-24. Review status: criteria provided, single submitter. Criteria: Invitae Variant Classification Sherloc (09022015). Collection method: clinical testing. Allele origin: germline.
Comment: For these reasons, this variant has been classified as Pathogenic. This variant has not been reported in the literature in individuals affected with TMC1-related conditions. This variant is present in population databases (no rsID available, gnomAD 0.0009%). This sequence change creates a premature translational stop signal (p.Tyr215*) in the TMC1 gene. It is expected to result in an absent or disrupted protein product. Loss-of-function variants in TMC1 are known to be pathogenic (PMID: 11850618, 22105175).

Blueprint Genetics
Classification: Likely pathogenic for TMC1-related disorders. Last evaluated: 2019-06-14. Review status: criteria provided, single submitter. Criteria: ACMG Guidelines, 2015. Collection method: clinical testing. Allele origin: germline. Affected: yes. Observed: 1 variant allele.

Literature cited by the submitters: PubMed 11850618 (cited by Labcorp Genetics (formerly Invitae), Labcorp); PubMed 22105175 (cited by Labcorp Genetics (formerly Invitae), Labcorp).

NM_138691.3(TMC1):c.645C>A (p.Tyr215Ter)

Gene: TMC1 (transmembrane channel like 1; plus strand). Cytogenetic location: 9q21.13.
Variant type: single nucleotide variant.
Coding change: c.645C>A on transcript NM_138691.3 (MANE Select); coding-DNA position 645, C replaced by A.
Protein change: p.Tyr215Ter; replaces tyrosine 215 with a stop codon.
Molecular consequence: nonsense.
Genome position (GRCh38, 1-based): chr9:72,754,788, C>A. VCF-style: chr9-72754788-C-A. GRCh37 (hg19) VCF-style: chr9-75369704-C-A.
Other names: short protein forms Y215*.
Identifiers: ClinVar variation 2810795 (VCV002810795.4), dbSNP rs964315149, ClinGen allele CA193284969.